The following is an entry in ClinVar:

ClinVar aggregate classification (germline): Uncertain significance (1 of 4 stars; one submission).

Conditions:
Aortic valve disease 2 (AOVD2). Identifiers: MedGen C3542024, MONDO:0013902, OMIM 614823.

gnomAD v4.1: 4 of 1,348,786 alleles (0.0003%); highest among the groups gnomAD compares: African/African-American, 0.0045%; no homozygotes.

Submission:

Labcorp Genetics (formerly Invitae), Labcorp
Classification: Uncertain significance for Aortic valve disease 2. Last evaluated: 2025-06-20. Review status: criteria provided, single submitter. Criteria: Invitae Variant Classification Sherloc (09022015). Collection method: clinical testing. Allele origin: germline.
Comment: This sequence change replaces glycine, which is neutral and non-polar, with serine, which is neutral and polar, at codon 155 of the SMAD6 protein (p.Gly155Ser). This variant is present in population databases (no rsID available, gnomAD 0.01%). This variant has not been reported in the literature in individuals affected with SMAD6-related conditions. Invitae Evidence Modeling of protein sequence and biophysical properties (such as structural, functional, and spatial information, amino acid conservation, physicochemical variation, residue mobility, and thermodynamic stability) indicates that this missense variant is not expected to disrupt SMAD6 protein function with a negative predictive value of 80%. In summary, the available evidence is currently insufficient to determine the role of this variant in disease. Therefore, it has been classified as a Variant of Uncertain Significance.

NM_005585.5(SMAD6):c.463G>A (p.Gly155Ser)

Gene: SMAD6 (SMAD family member 6; plus strand). Cytogenetic location: 15q22.31.
Variant type: single nucleotide variant.
Coding change: c.463G>A on transcript NM_005585.5 (MANE Select); coding-DNA position 463, G replaced by A.
Protein change: p.Gly155Ser; replaces glycine 155 with serine.
Molecular consequence: missense variant. On other transcripts: non-coding transcript variant (1).
Genome position (GRCh38, 1-based): chr15:66,703,721, G>A. VCF-style: chr15-66703721-G-A. GRCh37 (hg19) VCF-style: chr15-66996059-G-A.
Other names: short protein forms G155S.
Identifiers: ClinVar variation 4738140 (VCV004738140.1).